The following is an entry in ClinVar:

NM_004863.4(SPTLC2):c.132+5G>C

Gene: SPTLC2 (serine palmitoyltransferase long chain base subunit 2; minus strand). Cytogenetic location: 14q24.3.
Variant type: single nucleotide variant.
Coding change: c.132+5G>C on transcript NM_004863.4 (MANE Select); 5 bases into the intron after coding-DNA position 132, G replaced by C.
Molecular consequence: intron variant.
Genome position (GRCh38, 1-based): chr14:77,616,443, C>G on the plus strand (G>C on the coding strand, the complement: SPTLC2 is on the minus strand). VCF-style: chr14-77616443-C-G. GRCh37 (hg19) VCF-style: chr14-78082786-C-G.
Identifiers: ClinVar variation 4739344 (VCV004739344.1).

ClinVar aggregate classification (germline): Uncertain significance (1 of 4 stars; one submission).

Conditions:
Neuropathy, hereditary sensory and autonomic, type 1C. Also called: HSAN IC; HSN IC. Identifiers: Orphanet 36386, MedGen C3150896, MONDO:0013337, OMIM 613640.

gnomAD v4.1: 2 of 1,473,596 alleles (0.00014%); highest among the groups gnomAD compares: Non-Finnish European, 0.00018%; no homozygotes.

Submission:

Labcorp Genetics (formerly Invitae), Labcorp
Classification: Uncertain significance for Neuropathy, hereditary sensory and autonomic, type 1C. Last evaluated: 2025-12-09. Review status: criteria provided, single submitter. Criteria: Invitae Variant Classification Sherloc (09022015). Collection method: clinical testing. Allele origin: germline.
Comment: This sequence change falls in intron 1 of the SPTLC2 gene. It does not directly change the encoded amino acid sequence of the SPTLC2 protein. It affects a nucleotide within the consensus splice site. This variant is not present in population databases (gnomAD no frequency). This variant has not been reported in the literature in individuals affected with SPTLC2-related conditions. Variants that disrupt the consensus splice site are a relatively common cause of aberrant splicing (PMID: 17576681, 9536098). Algorithms developed to predict the effect of sequence changes on RNA splicing suggest that this variant is not likely to affect RNA splicing. In summary, the available evidence is currently insufficient to determine the role of this variant in disease. Therefore, it has been classified as a Variant of Uncertain Significance.

Literature cited by the submitters: PubMed 17576681; PubMed 9536098.